The following is an entry in ClinVar:

NM_003738.5(PTCH2):c.617+4A>T

Gene: PTCH2 (patched 2; minus strand). Cytogenetic location: 1p34.1.
Variant type: single nucleotide variant.
Coding change: c.617+4A>T on transcript NM_003738.5 (MANE Select); 4 bases into the intron after coding-DNA position 617, A replaced by T.
Molecular consequence: intron variant.
Genome position (GRCh38, 1-based): chr1:44,831,702, T>A on the plus strand (A>T on the coding strand, the complement: PTCH2 is on the minus strand). VCF-style: chr1-44831702-T-A. GRCh37 (hg19) VCF-style: chr1-45297374-T-A.
Other names: c.617+4A>T (NM_001166292.2).
Identifiers: ClinVar variation 3584612 (VCV003584612.2).

ClinVar aggregate classification (germline): Uncertain significance. Review status: criteria provided, multiple submitters, no conflicts (2 of 4 stars). 2 submissions from 2 submitters: Uncertain significance (2). Last evaluated 2025-09-03.

Conditions:
Medulloblastoma (MDB). Also called: Medulloblastoma, somatic; MEDULLOBLASTOMA PREDISPOSITION SYNDROME. Identifiers: Orphanet 616, MedGen C0025149, MeSH D008527, MONDO:0007959, OMIM 155255, HP:0002885.
Basal cell carcinoma, susceptibility to, 1. Also called: BCC1. Identifiers: MedGen C2751544, MONDO:0011556, OMIM 605462.

gnomAD v4.1: 89 of 1,555,268 alleles (0.0057%); highest among the groups gnomAD compares: Non-Finnish European, 0.0077%; no homozygotes.

Submissions (2):

Women's Health and Genetics/Laboratory Corporation of America, LabCorp
Classification: Uncertain significance. Last evaluated: 2025-09-03. Review status: criteria provided, single submitter. Criteria: LabCorp Variant Classification Summary - May 2015. Collection method: clinical testing. Allele origin: germline.
Comment: Variant summary: PTCH2 c.617+4A>T alters a non-conserved nucleotide located close to a canonical splice site and therefore could affect mRNA splicing, leading to a significantly altered protein sequence. Several computational tools predict a significant impact on normal splicing: Two predict the variant abolishes a 5' splicing donor site. Two predict the variant weakens a 5' donor site. However, these predictions have yet to be confirmed by functional studies. The variant allele was found at a frequency of 1.8e-05 in 162200 control chromosomes. The available data on variant occurrences in the general population are insufficient to allow any conclusion about variant significance. To our knowledge, no occurrence of c.617+4A>T in individuals affected with PTCH2-related conditions and no experimental evidence demonstrating its impact on protein function have been reported. ClinVar contains an entry for this variant (Variation ID: 3584612). Based on the evidence outlined above, the variant was classified as uncertain significance.

Fulgent Genetics
Classification: Uncertain significance for Medulloblastoma; Basal cell carcinoma, susceptibility to, 1. Last evaluated: 2024-06-08. Review status: criteria provided, single submitter. Criteria: ACMG Guidelines, 2015. Collection method: clinical testing. Allele origin: germline.